The following is an entry in ClinVar:

NM_005430.4(WNT1):c.227C>G (p.Pro76Arg)

Gene: WNT1 (Wnt family member 1; plus strand). Cytogenetic location: 12q13.12.
Variant type: single nucleotide variant.
Coding change: c.227C>G on transcript NM_005430.4 (MANE Select); coding-DNA position 227, C replaced by G.
Protein change: p.Pro76Arg; replaces proline 76 with arginine.
Molecular consequence: missense variant.
Genome position (GRCh38, 1-based): chr12:48,979,590, C>G. VCF-style: chr12-48979590-C-G. GRCh37 (hg19) VCF-style: chr12-49373373-C-G.
Other names: short protein forms P76R.
Identifiers: ClinVar variation 2903922 (VCV002903922.3), dbSNP rs768363275, ClinGen allele CA6544344.
Genomic context (GRCh38, chr12:48,979,590, plus strand): 5'-TACTCGAGCCCAGTCTGCAGCTGTTGAGCCGCAAACAGCGGCGTCTGATACGCCAAAATC[C>G]GGGGATCCTGCACAGCGTGAGTGGGGGGCTGCAGAGTGCCGTGCGCGAGTGCAAGTGGCA-3'
Protein context (NP_005421.1, residues 66-86): RKQRRLIRQN[Pro76Arg]GILHSVSGGL

ClinVar aggregate classification (germline): Uncertain significance (1 of 4 stars; one submission).

Allele frequency attached by ClinVar (database versions not stated): ExAC 0.00001; gnomAD 0.00001; TOPMed 0.00002.

Submission:

Labcorp Genetics (formerly Invitae), Labcorp
Classification: Uncertain significance. Last evaluated: 2022-11-02. Review status: criteria provided, single submitter. Criteria: Invitae Variant Classification Sherloc (09022015). Collection method: clinical testing. Allele origin: germline.
Comment: This sequence change replaces proline, which is neutral and non-polar, with arginine, which is basic and polar, at codon 76 of the WNT1 protein (p.Pro76Arg). This variant is present in population databases (rs768363275, gnomAD 0.003%). This variant has not been reported in the literature in individuals affected with WNT1-related conditions. Advanced modeling of protein sequence and biophysical properties (such as structural, functional, and spatial information, amino acid conservation, physicochemical variation, residue mobility, and thermodynamic stability) performed at Invitae indicates that this missense variant is not expected to disrupt WNT1 protein function. In summary, the available evidence is currently insufficient to determine the role of this variant in disease. Therefore, it has been classified as a Variant of Uncertain Significance.